The following is an entry in ClinVar:

ClinVar aggregate classification (germline): Pathogenic. Review status: criteria provided, multiple submitters, no conflicts (2 of 4 stars). 2 submissions from 2 submitters: Pathogenic (2). Last evaluated 2024-01-04.

Conditions:
Congenital myasthenic syndrome 4A. Also called: MYASTHENIC SYNDROME, CONGENITAL, 4A, SLOW-CHANNEL, AUTOSOMAL RECESSIVE; Myasthenic syndrome, congenital, 4a, slow-channel; CONGENITAL MYASTHENIC SYNDROME TYPE Ia1. Identifiers: Orphanet 590, MedGen C4225413, MONDO:0011600, OMIM 605809.

Allele frequency attached by ClinVar (database versions not stated): gnomAD exomes below 0.00001; TOPMed 0.00001.
gnomAD v4.1: 3 of 1,613,880 alleles (0.00019%); highest among the groups gnomAD compares: Non-Finnish European, 0.00025%; no homozygotes.

Submissions (2):

Labcorp Genetics (formerly Invitae), Labcorp
Classification: Pathogenic for Congenital myasthenic syndrome 4A. Last evaluated: 2024-01-04. Review status: criteria provided, single submitter. Criteria: Invitae Variant Classification Sherloc (09022015). Collection method: clinical testing. Allele origin: germline.
Comment: This sequence change replaces arginine, which is basic and polar, with tryptophan, which is neutral and slightly polar, at codon 238 of the CHRNE protein (p.Arg238Trp). This variant is not present in population databases (gnomAD no frequency). This missense change has been observed in individual(s) with clinical features of autosomal recessive congenital myasthenic syndrome (PMID: 29367459; Invitae). In at least one individual the data is consistent with being in trans (on the opposite chromosome) from a pathogenic variant. This variant is also known as R218W. ClinVar contains an entry for this variant (Variation ID: 1459509). Advanced modeling of protein sequence and biophysical properties (such as structural, functional, and spatial information, amino acid conservation, physicochemical variation, residue mobility, and thermodynamic stability) performed at Invitae indicates that this missense variant is expected to disrupt CHRNE protein function with a positive predictive value of 95%. Experimental studies have shown that this missense change affects CHRNE function (PMID: 29367459). For these reasons, this variant has been classified as Pathogenic.

Baylor Genetics
Classification: Pathogenic for Congenital myasthenic syndrome 4A. Last evaluated: 2023-10-16. Review status: criteria provided, single submitter. Criteria: ACMG Guidelines, 2015. Collection method: clinical testing. Allele origin: unknown.

Literature cited by the submitters: PubMed 29367459 (cited by Labcorp Genetics (formerly Invitae), Labcorp).

NM_000080.4(CHRNE):c.712C>T (p.Arg238Trp)

Genes: C17orf107 (chromosome 17 open reading frame 107; plus strand), CHRNE (cholinergic receptor nicotinic epsilon subunit; minus strand). Cytogenetic location: 17p13.2.
Variant type: single nucleotide variant.
Coding change: c.712C>T on transcript NM_000080.4 (MANE Select); coding-DNA position 712, C replaced by T.
Protein change: p.Arg238Trp; replaces arginine 238 with tryptophan.
Molecular consequence: missense variant. On other transcripts: 3 prime UTR variant (1).
Genome position (GRCh38, 1-based): chr17:4,901,080, G>A on the plus strand (C>T on the coding strand, the complement: CHRNE is on the minus strand). VCF-style: chr17-4901080-G-A. GRCh37 (hg19) VCF-style: chr17-4804375-G-A.
Other names: c.*547G>A (NM_001145536.2); short protein forms R238W.
Identifiers: ClinVar variation 1459509 (VCV001459509.9), dbSNP rs1567638676, ClinGen allele CA397304999.
Genomic context (GRCh38, chr17:4,901,080, plus strand): 5'-CCAGGCCCGAGATGAGCACACAGGGCACGATGATGTTAATGACGTAGAAGAGCGGCTTCC[G>A]GCGGATGATGAGCGAGTAGATGACGTCAGTCTCCCCTGGGCCGTCGGTGGCGCCACCGTG-3'
Protein context (NP_000071.1, residues 228-248): TDVIYSLIIR[Arg238Trp]KPLFYVINII